The following is an entry in ClinVar:

NM_012463.4(ATP6V0A2):c.1214C>T (p.Pro405Leu)

Gene: ATP6V0A2 (ATPase H+ transporting V0 subunit a2; plus strand). Cytogenetic location: 12q24.31.
Variant type: single nucleotide variant.
Coding change: c.1214C>T on transcript NM_012463.4 (MANE Select); coding-DNA position 1214, C replaced by T.
Protein change: p.Pro405Leu; replaces proline 405 with leucine.
Molecular consequence: missense variant.
Genome position (GRCh38, 1-based): chr12:123,744,225, C>T. VCF-style: chr12-123744225-C-T. GRCh37 (hg19) VCF-style: chr12-124228772-C-T.
Other names: short protein forms P405L.
Identifiers: ClinVar variation 1677219 (VCV001677219.3), dbSNP rs750788949, ClinGen allele CA6861880.

ClinVar aggregate classification (germline): Conflicting classifications of pathogenicity. Review status: criteria provided, conflicting classifications (1 of 4 stars). 2 submissions from 2 submitters: Likely pathogenic (1); Uncertain significance (1). Last evaluated 2024-06-17.

Conditions:
Cutis laxa with osteodystrophy (ARCL2A). Also called: Debré-Type Cutis Laxa; CUTIS LAXA, AUTOSOMAL RECESSIVE, TYPE IIA; CUTIS LAXA WITH BONE DYSTROPHY; CUTIS LAXA WITH GROWTH AND DEVELOPMENTAL DELAY; CUTIS LAXA WITH JOINT LAXITY AND RETARDED DEVELOPMENT; Autosomal recessive cutis laxa type 2A. Identifiers: Orphanet 357058, MedGen C0268355, MONDO:0018163, OMIM 219200. Disease mechanism: loss of function.
Wrinkly skin syndrome (WSS). Also called: Type of Gerodermia osteodysplastica. Identifiers: Orphanet 2834, MedGen C0406587, MONDO:0010208, OMIM 278250.

Allele frequency attached by ClinVar (database versions not stated): gnomAD exomes below 0.00001; ExAC 0.00001; gnomAD 0.00001; TOPMed 0.00002.
gnomAD v4.1: 5 of 1,613,994 alleles (0.00031%); highest among the groups gnomAD compares: African/African-American, 0.0013%; no homozygotes.

Submissions (2):

Fulgent Genetics
Classification: Likely pathogenic for Cutis laxa with osteodystrophy; Wrinkly skin syndrome. Last evaluated: 2024-06-17. Review status: criteria provided, single submitter. Criteria: ACMG Guidelines, 2015. Collection method: clinical testing. Allele origin: germline.

Women's Health and Genetics/Laboratory Corporation of America, LabCorp
Classification: Uncertain significance. Last evaluated: 2024-06-12. Review status: criteria provided, single submitter. Criteria: LabCorp Variant Classification Summary - May 2015. Collection method: clinical testing. Allele origin: germline.
Comment: Variant summary: ATP6V0A2 c.1214C>T (p.Pro405Leu) results in a non-conservative amino acid change in the encoded protein sequence. Five of five in-silico tools predict a damaging effect of the variant on protein function. The variant allele was found at a frequency of 4e-06 in 251424 control chromosomes. c.1214C>T has been reported in the literature in a homozygous individual affected with Cutis Laxa - ATP6V0A2 Related (Hucthagowder_2009, Van Damme_2017). These data indicate that the variant may be associated with disease. At least one publication reports experimental evidence evaluating an impact on protein function. The most pronounced variant effect results in protein instability (half-life approximately 56% of wild-type protein), and expedited degradation in both proteasomal and lysosomal pathways and defective Golgi trafficking as detected by immunofluorescence (Esmail_2018). The following publications have been ascertained in the context of this evaluation (PMID: 29311258, 19321599, 28065471). ClinVar contains an entry for this variant (Variation ID: 1677219). Based on the evidence outlined above, the variant was classified as VUS-possibly pathogenic.

Literature cited by the submitters: PubMed 29311258 (cited by Women's Health and Genetics/Laboratory Corporation of America, LabCorp); PubMed 19321599 (cited by Women's Health and Genetics/Laboratory Corporation of America, LabCorp); PubMed 28065471 (cited by Women's Health and Genetics/Laboratory Corporation of America, LabCorp).